The following is an entry in ClinVar:

NM_000094.4(COL7A1):c.7957G>A (p.Gly2653Arg)

Gene: COL7A1 (collagen type VII alpha 1 chain; minus strand). Cytogenetic location: 3p21.31.
Variant type: single nucleotide variant.
Coding change: c.7957G>A on transcript NM_000094.4 (MANE Select); coding-DNA position 7957, G replaced by A.
Protein change: p.Gly2653Arg; replaces glycine 2653 with arginine.
Molecular consequence: missense variant.
Genome position (GRCh38, 1-based): chr3:48,567,736, C>T on the plus strand (G>A on the coding strand, the complement: COL7A1 is on the minus strand). VCF-style: chr3-48567736-C-T. GRCh37 (hg19) VCF-style: chr3-48605169-C-T.
Other names: short protein forms G2653R.
Identifiers: ClinVar variation 17458 (VCV000017458.40), dbSNP rs121912851, ClinGen allele CA257960.

ClinVar aggregate classification (germline): Pathogenic/Likely pathogenic. Review status: criteria provided, multiple submitters, no conflicts (2 of 4 stars). 10 submissions from 10 submitters: Pathogenic (6); Likely pathogenic (1). 3 of the submissions do not count toward it. Last evaluated 2026-04-10.

Conditions:
Epidermolysis bullosa pruriginosa. Also called: DEB, PRURIGINOSA; DYSTROPHIC EPIDERMOLYSIS BULLOSA PRURIGINOSA. Identifiers: Orphanet 89843, MedGen C1275114, MONDO:0011398, OMIM 604129.
Transient bullous dermolysis of the newborn (TBDN). Also called: EPIDERMOLYSIS BULLOSA DYSTROPHICA, NEONATAL FORM; DYSTROPHIC EPIDERMOLYSIS BULLOSA, NEONATAL. Identifiers: Orphanet 79411, MedGen C1851573, MONDO:0007548, OMIM 131705.
Dominant dystrophic epidermolysis bullosa with absence of skin. Also called: EPIDERMOLYSIS BULLOSA WITH CONGENITAL LOCALIZED ABSENCE OF SKIN AND DEFORMITY OF NAILS; EPIDERMOLYSIS BULLOSA DYSTROPHICA, BART TYPE. Identifiers: MedGen C0268371, MONDO:0007557, OMIM 132000.
Generalized dominant dystrophic epidermolysis bullosa (DDEB). Also called: DDEB, generalized; DDEB-gen; DYSTROPHIC EPIDERMOLYSIS BULLOSA, AUTOSOMAL DOMINANT; Epidermolysis bullosa dystrophica, autosomal dominant; Dominant DEB (DDEB). Identifiers: Orphanet 231568, MedGen C0432322, MONDO:0007549, OMIM 131750.
Nonsyndromic congenital nail disorder 8. Also called: TOENAIL DYSTROPHY, ISOLATED. Identifiers: MedGen C1843761, MONDO:0011852, OMIM 607523.
Pretibial dystrophic epidermolysis bullosa. Also called: EPIDERMOLYSIS BULLOSA DYSTROPHICA, PRETIBIAL; Pretibial blistering; Pretibial epidermolysis bullosa. Identifiers: Orphanet 79410, MedGen C0432321, MONDO:0007552, OMIM 131850, HP:0012221.
Recessive dystrophic epidermolysis bullosa (RDEB). Also called: severe generalized recessive dystrophic epidermolysis bullosa; Epidermolysis Bullosa Distrophica Autosomal Recessive (RDEB); EPIDERMOLYSIS BULLOSA DYSTROPHICA, GENERALIZED SEVERE, AUTOSOMAL RECESSIVE; DYSTROPHIC EPIDERMOLYSIS BULLOSA, AUTOSOMAL RECESSIVE; EPIDERMOLYSIS BULLOSA DYSTROPHICA, HALLOPEAU-SIEMENS TYPE; epidermolysis bullosa dystrophica, autosomal recessive. Identifiers: Orphanet 79408, Orphanet 79409, MedGen C0079474, MONDO:0009179, OMIM 226600.
Epidermolysis bullosa dystrophica. Also called: Dystrophic epidermolysis bullosa; Dystrophic epidermolysis bullosa, Hallopeau-Siemens type (formerly). Identifiers: Orphanet 303, MedGen C0079294, MONDO:0006543.

Allele frequency attached by ClinVar (database versions not stated): TOPMed 0.00003; gnomAD exomes 0.00001; gnomAD 0.00001.
gnomAD v4.1: 12 of 1,614,010 alleles (0.00074%); highest among the groups gnomAD compares: African/African-American, 0.0013%; no homozygotes.

Submissions (10):

Dasa
Classification: Pathogenic. Last evaluated: 2026-04-10. Review status: criteria provided, single submitter. Criteria: DASA Assertion Criteria. Collection method: clinical testing. Allele origin: germline.
Comment: NM_000094.4(COL7A1):c.7957G>A (p.Gly2653Arg) is a missense variant that results in the substitution of glycine with arginine. The affected residue or protein region has prior evidence supporting clinical relevance. This variant has been observed in affected individuals with related phenotype in a genotype context consistent with recessive disease (PMID: 8644729; PMID: 34826142; PMID: 35979658; PMID: 36419915). Functional evidence supports a deleterious effect on the gene or gene product (PMID: 8644729; PMID: 34826142; PMID: 35979658; PMID: 36419915). This variant has been recurrently observed in individuals with related phenotype (PMID: 8644729; PMID: 34826142; PMID: 35979658; PMID: 36419915). Multiple computational predictions support a deleterious effect on the gene or gene product. The variant is present at low frequency in population datasets. Based on the available data, this variant is classified as pathogenic.

Natera, Inc.
Classification: Pathogenic for Dystrophic epidermolysis bullosa. Last evaluated: 2025-04-21. Review status: criteria provided, single submitter. Criteria: Natera Variant Classification Schema (03/2026). Collection method: clinical testing. Allele origin: germline.
Comment: The c.7957G>A variant in COL7A1 is a missense variant predicted to cause substitution of glycine to arginine at amino acid 2653. This variant is rare in the general population with a frequency below the threshold expected for the associated phenotype(s). This variant has been observed in one or more individuals affected with the associated recessive disease, as either homozygous or compound heterozygous with a second variant (PMID: 35979658). Computational prediction algorithms indicate this variant is likely to affect gene or protein function. Given the available evidence, this variant is classified as Pathogenic.

Labcorp Genetics (formerly Invitae), Labcorp
Classification: Pathogenic. Last evaluated: 2024-08-11. Review status: criteria provided, single submitter. Criteria: Invitae Variant Classification Sherloc (09022015). Collection method: clinical testing. Allele origin: germline.
Comment: This sequence change replaces glycine, which is neutral and non-polar, with arginine, which is basic and polar, at codon 2653 of the COL7A1 protein (p.Gly2653Arg). This variant is present in population databases (rs121912851, gnomAD 0.01%). This missense change has been observed in individual(s) with autosomal recessive dystrophic epidermolysis bullosa (PMID: 8644729, 31001817, 33274474, 34826142). In at least one individual the data is consistent with being in trans (on the opposite chromosome) from a pathogenic variant. ClinVar contains an entry for this variant (Variation ID: 17458). Advanced modeling of protein sequence and biophysical properties (such as structural, functional, and spatial information, amino acid conservation, physicochemical variation, residue mobility, and thermodynamic stability) performed at Invitae indicates that this missense variant is expected to disrupt COL7A1 protein function with a positive predictive value of 95%. This variant disrupts the triple helix domain of COL7A1. Glycine residues within the Gly-Xaa-Yaa repeats of the triple helix domain are required for the structure and stability of fibrillar collagens (PMID: 7695699, 8218237, 19344236), and variants at these glycine residues in COL7A1 are more frequently observed in individuals with disease than in the general population (PMID: 22058051). However, the clinical significance of this observation remains uncertain since only a limited number of affected individuals have been described to date. For these reasons, this variant has been classified as Pathogenic.

Fulgent Genetics
Classification: Pathogenic for Transient bullous dermolysis of the newborn; Generalized dominant dystrophic epidermolysis bullosa; Pretibial dystrophic epidermolysis bullosa; Dominant dystrophic epidermolysis bullosa with absence of skin; Recessive dystrophic epidermolysis bullosa; Epidermolysis bullosa pruriginosa; Nonsyndromic congenital nail disorder 8. Last evaluated: 2024-04-17. Review status: criteria provided, single submitter. Criteria: ACMG Guidelines, 2015. Collection method: clinical testing. Allele origin: germline.

GeneDx
Classification: Pathogenic. Last evaluated: 2024-04-17. Review status: criteria provided, single submitter. Criteria: GeneDx Variant Classification Process June 2021. Collection method: clinical testing. Allele origin: germline. Affected: yes.
Comment: Located in the highly conserved Gly-X-Y repeat of the collagenous domain; Glycine substitution variants in this region of the COLVII protein destabilize the collagen triple helix resulting in skin fragility due to poor anchoring of the basement membrane to the underlying dermis (PMID: 20301481); Not observed at a significant frequency in large population cohorts (gnomAD); In silico analysis supports that this missense variant has a deleterious effect on protein structure/function; This variant is associated with the following publications: (PMID: 21448560, 15509587, 8644729, 14616374, 9668111, 14516194, 9375848, 31001817, 31589614, 36419915, 34826142, 35979658, 33274474)

Center for Research in Genodermatoses and Epidermolysis Bullosa, University of Buenos Aires
Classification: Pathogenic for Recessive dystrophic epidermolysis bullosa. Last evaluated: 2022-03-14. Review status: criteria provided, single submitter. Criteria: ACMG Guidelines, 2015. Collection method: clinical testing. Allele origin: germline. Affected: yes. Observed: 11 variant alleles, 11 compound heterozygotes.

Juno Genomics, Hangzhou Juno Genomics, Inc
Classification: Likely pathogenic for Recessive dystrophic epidermolysis bullosa. Review status: criteria provided, single submitter. Criteria: ACMG Guidelines, 2015. Collection method: clinical testing. Allele origin: germline.
Comment: Absent from controls (or at extremely low frequency if recessive) in Genome Aggregation Database.;Multiple lines of computational evidence support a deleterious effect on the gene or gene product.;For recessive disorders, detected in trans with a pathogenic variant.

OMIM
Classification: Pathogenic for EPIDERMOLYSIS BULLOSA DYSTROPHICA, AUTOSOMAL RECESSIVE. Last evaluated: 1996-04-01. Review status: no assertion criteria provided. Collection method: literature only. Allele origin: germline. Not counted in ClinVar's aggregate classification.

Diagnostic Laboratory, Department of Genetics, University Medical Center Groningen
Classification: Pathogenic. Review status: no assertion criteria provided. Collection method: clinical testing. Allele origin: germline. Affected: yes. Study: VKGL Data-share Consensus. Not counted in ClinVar's aggregate classification.

Joint Genome Diagnostic Labs from Nijmegen and Maastricht, Radboudumc and MUMC+
Classification: Pathogenic. Review status: no assertion criteria provided. Collection method: clinical testing. Allele origin: germline. Affected: yes. Study: VKGL Data-share Consensus. Not counted in ClinVar's aggregate classification.

Literature cited by the submitters: PubMed 8644729 (cited by 4 submitters); PubMed 34826142 (cited by Dasa and Labcorp Genetics (formerly Invitae), Labcorp); PubMed 35979658 (cited by 3 submitters); PubMed 36419915 (cited by Dasa); PubMed 31001817 (cited by Labcorp Genetics (formerly Invitae), Labcorp); PubMed 33274474 (cited by Labcorp Genetics (formerly Invitae), Labcorp); PubMed 7695699 (cited by Labcorp Genetics (formerly Invitae), Labcorp); PubMed 8218237 (cited by Labcorp Genetics (formerly Invitae), Labcorp); PubMed 19344236 (cited by Labcorp Genetics (formerly Invitae), Labcorp); PubMed 22058051 (cited by Labcorp Genetics (formerly Invitae), Labcorp).